The following is an entry in ClinVar:

ClinVar aggregate classification (germline): Pathogenic (1 of 4 stars; one submission).

Conditions:
Bethlem myopathy 1A. Also called: MYOPATHY, BENIGN CONGENITAL, WITH CONTRACTURES; Bethlem myopathy 1; Bethlem Muscular Dystrophy. Identifiers: Orphanet 610, MedGen CN029274, MONDO:0024530, OMIM 158810.

Submission:

Labcorp Genetics (formerly Invitae), Labcorp
Classification: Pathogenic for Bethlem myopathy 1A. Last evaluated: 2023-12-25. Review status: criteria provided, single submitter. Criteria: Invitae Variant Classification Sherloc (09022015). Collection method: clinical testing. Allele origin: germline.
Comment: This sequence change creates a premature translational stop signal (p.Leu772Hisfs*21) in the COL6A2 gene. It is expected to result in an absent or disrupted protein product. Loss-of-function variants in COL6A2 are known to be pathogenic (PMID: 19884007, 20976770). This variant is not present in population databases (gnomAD no frequency). This variant has not been reported in the literature in individuals affected with COL6A2-related conditions. For these reasons, this variant has been classified as Pathogenic.

Literature cited by the submitters: PubMed 19884007; PubMed 20976770.

NM_001849.4(COL6A2):c.2315_2322del (p.Leu772fs)

Gene: COL6A2 (collagen type VI alpha 2 chain; plus strand). Cytogenetic location: 21q22.3.
Variant type: Deletion.
Coding change: c.2315_2322del on transcript NM_001849.4 (MANE Select); coding-DNA positions 2315 to 2322, 8 bases deleted (TCTACTCC; older notation c.2315_2322delTCTACTCC).
Protein change: p.Leu772fs; shifts the reading frame from leucine 772.
Molecular consequence: frameshift variant.
Genome position (GRCh38, 1-based): chr21:46,126,130-46,126,137, TCTACTCC deleted; deleting any 8 consecutive bases within chr21:46,126,128-46,126,137 gives the same sequence; the c. name uses the placement nearest the transcript's 3' end. VCF-style (leftmost placement, unchanged base first): chr21-46126127-ACCTCTACT-A. GRCh37 (hg19) VCF-style: chr21-47546041-ACCTCTACT-A.
Other names: c.2315_2322del, p.Leu772fs (NM_058174.3, NM_058175.3); short protein forms L772fs.
Identifiers: ClinVar variation 3022071 (VCV003022071.3), dbSNP rs2517018537, ClinGen allele CA2577630110.
Genomic context (GRCh38, chr21:46,126,127, plus strand): 5'-ACGTCACAGTGACGGCCATCGGCATCGGGGACATGTTCCACGAGAAGCACGAGAGTGAAA[ACCTCTACT>A]CCATCGCCTGCGACAAGCCACAGCAGGTGCGCAACATGACGCTGTTCTCCGACCTGGTCG-3'